The following is an entry in ClinVar:

NM_000143.4(FH):c.1259C>A (p.Ala420Asp)

Gene: FH (fumarate hydratase; minus strand). Cytogenetic location: 1q43.
Variant type: single nucleotide variant.
Coding change: c.1259C>A on transcript NM_000143.4 (MANE Select); coding-DNA position 1259, C replaced by A.
Protein change: p.Ala420Asp; replaces alanine 420 with aspartic acid.
Molecular consequence: missense variant.
Genome position (GRCh38, 1-based): chr1:241,500,568, G>T on the plus strand (C>A on the coding strand, the complement: FH is on the minus strand). VCF-style: chr1-241500568-G-T. GRCh37 (hg19) VCF-style: chr1-241663868-G-T.
Other names: short protein forms A420D.
Identifiers: ClinVar variation 1019528 (VCV001019528.9), dbSNP rs766377516, ClinGen allele CA345436863.

ClinVar aggregate classification (germline): Uncertain significance (1 of 4 stars; one submission).

Submission:

Labcorp Genetics (formerly Invitae), Labcorp
Classification: Uncertain significance. Last evaluated: 2022-09-08. Review status: criteria provided, single submitter. Criteria: Invitae Variant Classification Sherloc (09022015). Collection method: clinical testing. Allele origin: germline.
Comment: ClinVar contains an entry for this variant (Variation ID: 1019528). In summary, the available evidence is currently insufficient to determine the role of this variant in disease. Therefore, it has been classified as a Variant of Uncertain Significance. Algorithms developed to predict the effect of sequence changes on RNA splicing suggest that this variant may create or strengthen a splice site. Advanced modeling of protein sequence and biophysical properties (such as structural, functional, and spatial information, amino acid conservation, physicochemical variation, residue mobility, and thermodynamic stability) performed at Invitae indicates that this missense variant is expected to disrupt FH protein function. This variant has not been reported in the literature in individuals affected with FH-related conditions. This variant is not present in population databases (gnomAD no frequency). This sequence change replaces alanine, which is neutral and non-polar, with aspartic acid, which is acidic and polar, at codon 420 of the FH protein (p.Ala420Asp).